The following is an entry in ClinVar:

NM_000138.5(FBN1):c.4219G>T (p.Glu1407Ter)

Genes: FBN1 (fibrillin 1; minus strand), LOC126862124 (CDK7 strongly-dependent group 2 enhancer GRCh37_chr15:48764566-48765765; plus strand). Cytogenetic location: 15q21.1.
Variant type: single nucleotide variant.
Coding change: c.4219G>T on transcript NM_000138.5 (MANE Select); coding-DNA position 4219, G replaced by T.
Protein change: p.Glu1407Ter; replaces glutamic acid 1407 with a stop codon.
Molecular consequence: nonsense.
Genome position (GRCh38, 1-based): chr15:48,472,668, C>A on the plus strand (G>T on the coding strand, the complement: FBN1 is on the minus strand). VCF-style: chr15-48472668-C-A. GRCh37 (hg19) VCF-style: chr15-48764865-C-A.
Other names: short protein forms E1407*.
Identifiers: ClinVar variation 684765 (VCV000684765.3), dbSNP rs1597552583, ClinGen allele CA392318122.
Genomic context (GRCh38, chr15:48,472,668, plus strand): 5'-ATCCTCCTGGTGCATTGAGGCACTGGCCATTGCCACAGAGATTCAGGTTCTCAGAGCACT[C>A]ATCAAGGTCTACAGCCAGAAAGAAACACACGTTACTCTTCCTCGGTTAGGGGCTTTCTAA-3'

ClinVar aggregate classification (germline): Pathogenic (1 of 4 stars; one submission).

Conditions:
Marfan syndrome (MFS). Also called: MARFAN SYNDROME, TYPE I; FBN1-Related Marfan Syndrome; Marfan syndrome type 1; Marfan's syndrome; Marfan syndrome, classic. Identifiers: Orphanet 284963, Orphanet 558, MedGen C0024796, MONDO:0007947, OMIM 154700.

Submission:

Petrovsky National Research Centre of Surgery, The Federal Agency for Scientific Organizations
Classification: Pathogenic for Marfan syndrome. Last evaluated: 2019-08-14. Review status: criteria provided, single submitter. Criteria: ACMG Guidelines, 2015. Collection method: clinical testing. Allele origin: unknown. Inheritance: Autosomal dominant inheritance. Affected: yes. Observed: 1 heterozygote.
Comment: Loss-of-function variants in FBN1 gene are known to be pathogenic (PMID: 17657824, 19293843)(ExAC pLI = 1.00)